The following is an entry in ClinVar:

ClinVar aggregate classification (germline): Pathogenic (1 of 4 stars; one submission).

Conditions:
Hypermethioninemia with deficiency of S-adenosylhomocysteine hydrolase. Identifiers: Orphanet 88618, MedGen C3151058, MONDO:0013404, OMIM 613752.

Submission:

Labcorp Genetics (formerly Invitae), Labcorp
Classification: Pathogenic for Hypermethioninemia with deficiency of S-adenosylhomocysteine hydrolase. Last evaluated: 2023-09-20. Review status: criteria provided, single submitter. Criteria: Invitae Variant Classification Sherloc (09022015). Collection method: clinical testing. Allele origin: unknown.
Comment: A gross deletion of the genomic region encompassing the full coding sequence of the AHCY gene has been identified. Loss-of-function variants in AHCY are known to be pathogenic (PMID: 15024124, 20852937). The boundaries of this event are unknown as they extend beyond the assayed region for this gene and therefore may encompass additional genes. This variant has not been reported in the literature in individuals affected with AHCY-related conditions. For these reasons, this variant has been classified as Pathogenic.

Literature cited by the submitters: PubMed 15024124; PubMed 20852937.

NC_000020.10:g.(?_31571600)_(33001705_?)del

Genes: SUN5 (Sad1 and UNC84 domain containing 5; minus strand), ZNF341 (zinc finger protein 341; plus strand), AHCY (adenosylhomocysteinase; minus strand), CHMP4B (charged multivesicular body protein 4B; plus strand), C20orf144 (chromosome 20 open reading frame 144; plus strand) and 19 more. Cytogenetic location: 20q11.21-11.22.
Variant type: Deletion.
Identifiers: ClinVar variation 3248297 (VCV003248297.1).